The following is an entry in ClinVar:

ClinVar aggregate classification (germline): Benign. Review status: criteria provided, single submitter (1 of 4 stars). 2 submissions from 2 submitters: Benign (1). 1 of the submissions does not count toward it. Last evaluated 2026-01-09.

Conditions:
CAMK2B-related disorder. Also called: CAMK2B-related condition.

Allele frequency attached by ClinVar (database versions not stated): gnomAD 0.00002 and 0.00020; TOPMed 0.00004; 1000 Genomes Project 0.00060; 1000 Genomes Project 30x 0.00078; ExAC 0.00091; gnomAD exomes 0.00093.
gnomAD v4.1: 675 of 1,609,578 alleles (0.042%); highest among the groups gnomAD compares: South Asian, 0.7%; 12 homozygotes.

Submissions (2):

Labcorp Genetics (formerly Invitae), Labcorp
Classification: Benign. Last evaluated: 2026-01-09. Review status: criteria provided, single submitter. Criteria: Invitae Variant Classification Sherloc (09022015). Collection method: clinical testing. Allele origin: germline.

PreventionGenetics, part of Exact Sciences
Classification: Benign for CAMK2B-related condition. Last evaluated: 2019-05-23. Review status: no assertion criteria provided. Collection method: clinical testing. Allele origin: germline. Not counted in ClinVar's aggregate classification.
Comment: This variant is classified as benign based on ACMG/AMP sequence variant interpretation guidelines (Richards et al. 2015 PMID: 25741868, with internal and published modifications).

NM_001220.5(CAMK2B):c.341+3G>A

Gene: CAMK2B (calcium/calmodulin dependent protein kinase II beta; minus strand). Cytogenetic location: 7p13.
Variant type: single nucleotide variant.
Coding change: c.341+3G>A on transcript NM_001220.5 (MANE Select); 3 bases into the intron after coding-DNA position 341, G replaced by A.
Molecular consequence: intron variant.
Genome position (GRCh38, 1-based): chr7:44,254,539, C>T on the plus strand (G>A on the coding strand, the complement: CAMK2B is on the minus strand). VCF-style: chr7-44254539-C-T. GRCh37 (hg19) VCF-style: chr7-44294138-C-T.
Other names: c.341+3G>A (NM_001220.4, NM_172084.3, NM_172080.3 and 6 more transcripts).
Identifiers: ClinVar variation 1567143 (VCV001567143.10), dbSNP rs564835679, ClinGen allele CA4240761.